The following is an entry in ClinVar:

ClinVar aggregate classification (germline): Likely benign (1 of 4 stars; one submission).

Conditions:
Kindler syndrome (KNDLRS). Also called: Poikiloderma of Kindler; Congenital bullous poikiloderma; POIKILODERMA, CONGENITAL, WITH BULLAE, WEARY TYPE; POIKILODERMA, HEREDITARY ACROKERATOTIC; BULLOUS ACROKERATOTIC POIKILODERMA OF KINDLER AND WEARY; Kindler's syndrome. Identifiers: Orphanet 2908, Orphanet 306539, MedGen C0406557, MONDO:0008260, OMIM 173650.

Allele frequency attached by ClinVar (database versions not stated): 1000 Genomes Project 30x 0.00390; gnomAD 0.00326 and 0.00349; 1000 Genomes Project 0.00359; TOPMed 0.00413.

Submission:

Illumina Laboratory Services, Illumina
Classification: Likely benign for Kindler syndrome. Last evaluated: 2018-01-13. Review status: criteria provided, single submitter. Criteria: ICSL Variant Classification Criteria 13 December 2019. Collection method: clinical testing. Allele origin: germline.
Comment: This variant was observed in the ICSL laboratory as part of a predisposition screen in an ostensibly healthy population. It had not been previously curated by ICSL or reported in the Human Gene Mutation Database (HGMD: prior to June 1st, 2018), and was therefore a candidate for classification through an automated scoring system. Utilizing variant allele frequency, disease prevalence and penetrance estimates, and inheritance mode, an automated score was calculated to assess if this variant is too frequent to cause the disease. Based on the score and internal cut-off values, a variant classified as likely benign is not then subjected to further curation. The score for this variant resulted in a classification of likely benign for this disease.

NM_017671.4(FERMT1):c.-609G>A

Gene: FERMT1 (FERM domain containing kindlin 1; minus strand). Cytogenetic location: 20p12.3.
Variant type: single nucleotide variant.
Coding change: c.-609G>A on transcript NM_017671.4; 609 bases upstream of the start codon, G replaced by A.
Genome position (GRCh38, 1-based): chr20:6,123,364, C>T on the plus strand (G>A on the coding strand, the complement: FERMT1 is on the minus strand). VCF-style: chr20-6123364-C-T. GRCh37 (hg19) VCF-style: chr20-6104011-C-T.
Identifiers: ClinVar variation 339255 (VCV000339255.7), dbSNP rs184246100, ClinGen allele CA10650161.